The following is an entry in ClinVar:

NM_000186.4(CFH):c.1114A>G (p.Ile372Val)

Gene: CFH (complement factor H; plus strand). Cytogenetic location: 1q31.3.
Variant type: single nucleotide variant.
Coding change: c.1114A>G on transcript NM_000186.4 (MANE Select); coding-DNA position 1114, A replaced by G.
Protein change: p.Ile372Val; replaces isoleucine 372 with valine.
Molecular consequence: missense variant.
Genome position (GRCh38, 1-based): chr1:196,689,569, A>G. VCF-style: chr1-196689569-A-G. GRCh37 (hg19) VCF-style: chr1-196658699-A-G.
Other names: c.1114A>G, p.Ile372Val (NM_001014975.3); short protein forms I372V.
Identifiers: ClinVar variation 1275821 (VCV001275821.4), dbSNP rs1370184894, ClinGen allele CA343980159.

ClinVar aggregate classification (germline): Uncertain significance. Review status: criteria provided, multiple submitters, no conflicts (2 of 4 stars). 2 submissions from 2 submitters: Uncertain significance (2). Last evaluated 2026-09-17.

Conditions:
Atypical hemolytic-uremic syndrome with I factor anomaly. Also called: HEMOLYTIC UREMIC SYNDROME, ATYPICAL, SUSCEPTIBILITY TO, 3; AHUS, SUSCEPTIBILITY TO, 3. Identifiers: Orphanet 2134, MedGen C2752039, MONDO:0013041, OMIM 612923.
Atypical hemolytic-uremic syndrome. Identifiers: Orphanet 2134, MedGen C2931788, MONDO:0016244.

Allele frequency attached by ClinVar (database versions not stated): gnomAD exomes below 0.00001 and 0.00001; gnomAD 0.00001; TOPMed 0.00001.
gnomAD v4.1: 2 of 1,613,476 alleles (0.00012%); highest among the groups gnomAD compares: East Asian, 0.0045%; no homozygotes.

Submissions (2):

Genomenon, Inc
Classification: Uncertain significance for Atypical hemolytic-uremic syndrome. Last evaluated: 2026-09-17. Review status: criteria provided, single submitter. Criteria: Genomenon Sequence Variant Interpretation Standards - Updated. Collection method: curation. Allele origin: germline. Affected: yes.
Comment: CFH p.Ile372Val (c.1114A>G) is a missense variant that changes the amino acid at codon 372 from isoleucine to valine. This variant has been observed in at least one proband affected with atypical hemolytic-uremic syndrome (PMID: 34912830). Functional studies have been reported (PMID: 34912830). It is absent or not present at a significant frequency in gnomAD. In silico models predict that this variant is not damaging. In conclusion, we classify CFH p.Ile372Val (c.1114A>G) as a variant of uncertain significance.

John Atkinson Laboratory, Washington University School of Medicine in St. Louis
Classification: Uncertain significance for Atypical hemolytic-uremic syndrome with I factor anomaly. Last evaluated: 2015-06-15. Review status: criteria provided, single submitter. Criteria: ACMG Guidelines, 2015. Collection method: clinical testing. Allele origin: germline. Affected: yes.

Literature cited by the submitters: PubMed 34912830 (cited by Genomenon, Inc).